The following is an entry in ClinVar:

NM_001134673.4(NFIA):c.763_766dup (p.Ser256fs)

Gene: NFIA (nuclear factor I A; plus strand). Cytogenetic location: 1p31.3.
Variant type: Duplication.
Coding change: c.763_766dup on transcript NM_001134673.4 (MANE Select); coding-DNA positions 763 to 766, 4 bases duplicated (TACA; older notation c.763_766dupTACA).
Protein change: p.Ser256fs; shifts the reading frame from serine 256.
Molecular consequence: frameshift variant.
Genome position (GRCh38, 1-based): chr1:61,352,512-61,352,515, TACA duplicated. VCF-style (leftmost placement, unchanged base first): chr1-61352511-C-CTACA. GRCh37 (hg19) VCF-style: chr1-61818183-C-CTACA.
Other names: c.739_742dup, p.Ser248fs (NM_001145511.2); c.898_901dup, p.Ser301fs (NM_001145512.2); c.763_766dup, p.Ser256fs (NM_005595.5); short protein forms S248fs, S256fs, S301fs.
Identifiers: ClinVar variation 3778590 (VCV003778590.7).

ClinVar aggregate classification (germline): Pathogenic (1 of 4 stars; one submission).

Submission:

CeGaT Center for Human Genetics Tuebingen
Classification: Pathogenic. Last evaluated: 2025-03-01. Review status: criteria provided, single submitter. Criteria: CeGaT Center For Human Genetics Tuebingen Variant Classification Criteria Version 2. Collection method: clinical testing. Allele origin: germline. Affected: yes. Observed: 1 variant allele.
Comment: NFIA: PVS1, PM2, PS2:Moderate